The following is an entry in ClinVar:

NM_004369.4(COL6A3):c.4688T>A (p.Ile1563Asn)

Gene: COL6A3 (collagen type VI alpha 3 chain; minus strand). Cytogenetic location: 2q37.3.
Variant type: single nucleotide variant.
Coding change: c.4688T>A on transcript NM_004369.4 (MANE Select); coding-DNA position 4688, T replaced by A.
Protein change: p.Ile1563Asn; replaces isoleucine 1563 with asparagine.
Molecular consequence: missense variant.
Genome position (GRCh38, 1-based): chr2:237,368,775, A>T on the plus strand (T>A on the coding strand, the complement: COL6A3 is on the minus strand). VCF-style: chr2-237368775-A-T. GRCh37 (hg19) VCF-style: chr2-238277418-A-T.
Other names: c.2867T>A, p.Ile956Asn (NM_057166.5); c.4070T>A, p.Ile1357Asn (NM_057167.4); short protein forms I1563N, I1357N, I956N.
Identifiers: ClinVar variation 4744967 (VCV004744967.1).
Genomic context (GRCh38, chr2:237,368,775, plus strand): 5'-AGCTCTGTTCTGTCGATGTTCCGGTCTCCTACCCCTAAACTCACAATGCCCGAGGAACGG[A>T]TCACCTGGGCGAACCTGGACACATCGTCCTGGGATTTTCCACCCAGGACCAGGACCAGGT-3'
Protein context (NP_004360.2, residues 1553-1573): QDDVSRFAQV[Ile1563Asn]RSSGIVSLGV

ClinVar aggregate classification (germline): Uncertain significance (1 of 4 stars; one submission).

Conditions:
Bethlem myopathy 1A. Also called: MYOPATHY, BENIGN CONGENITAL, WITH CONTRACTURES; Bethlem myopathy 1; Bethlem Muscular Dystrophy. Identifiers: Orphanet 610, MedGen CN029274, MONDO:0024530, OMIM 158810.

Submission:

Labcorp Genetics (formerly Invitae), Labcorp
Classification: Uncertain significance for Bethlem myopathy 1A. Last evaluated: 2025-08-20. Review status: criteria provided, single submitter. Criteria: Invitae Variant Classification Sherloc (09022015). Collection method: clinical testing. Allele origin: germline.
Comment: This sequence change replaces isoleucine, which is neutral and non-polar, with asparagine, which is neutral and polar, at codon 1563 of the COL6A3 protein (p.Ile1563Asn). This variant is present in population databases (rs780804767, gnomAD 0.006%). This variant has not been reported in the literature in individuals affected with COL6A3-related conditions. Invitae Evidence Modeling of protein sequence and biophysical properties (such as structural, functional, and spatial information, amino acid conservation, physicochemical variation, residue mobility, and thermodynamic stability) indicates that this missense variant is not expected to disrupt COL6A3 protein function with a negative predictive value of 80%. In summary, the available evidence is currently insufficient to determine the role of this variant in disease. Therefore, it has been classified as a Variant of Uncertain Significance.